The following is an entry in ClinVar:

ClinVar aggregate classification (germline): Uncertain significance (1 of 4 stars; one submission).

Allele frequency attached by ClinVar (database versions not stated): gnomAD 0.00001; gnomAD exomes 0.00001 and 0.00003; ExAC 0.00002; TOPMed 0.00002.
gnomAD v4.1: 9 of 1,613,546 alleles (0.00056%); highest among the groups gnomAD compares: East Asian, 0.02%; no homozygotes.

Submission:

Labcorp Genetics (formerly Invitae), Labcorp
Classification: Uncertain significance. Last evaluated: 2022-08-31. Review status: criteria provided, single submitter. Criteria: Invitae Variant Classification Sherloc (09022015). Collection method: clinical testing. Allele origin: germline.
Comment: In summary, the available evidence is currently insufficient to determine the role of this variant in disease. Therefore, it has been classified as a Variant of Uncertain Significance. Algorithms developed to predict the effect of missense changes on protein structure and function are either unavailable or do not agree on the potential impact of this missense change (SIFT: "Deleterious"; PolyPhen-2: "Possibly Damaging"; Align-GVGD: "Class C0"). ClinVar contains an entry for this variant (Variation ID: 1402079). This variant has not been reported in the literature in individuals affected with C7-related conditions. This variant is present in population databases (rs755704398, gnomAD 0.05%). This sequence change replaces arginine, which is basic and polar, with tryptophan, which is neutral and slightly polar, at codon 401 of the C7 protein (p.Arg401Trp).

NM_000587.4(C7):c.1201A>T (p.Arg401Trp)

Gene: C7 (complement C7; plus strand). Cytogenetic location: 5p13.1.
Variant type: single nucleotide variant.
Coding change: c.1201A>T on transcript NM_000587.4 (MANE Select); coding-DNA position 1201, A replaced by T.
Protein change: p.Arg401Trp; replaces arginine 401 with tryptophan.
Molecular consequence: missense variant.
Genome position (GRCh38, 1-based): chr5:40,955,494, A>T. VCF-style: chr5-40955494-A-T. GRCh37 (hg19) VCF-style: chr5-40955596-A-T.
Other names: short protein forms R401W.
Identifiers: ClinVar variation 1402079 (VCV001402079.5), dbSNP rs755704398, ClinGen allele CA3249883.